The following is an entry in ClinVar:

ClinVar aggregate classification (germline): Benign/Likely benign. Review status: criteria provided, multiple submitters, no conflicts (2 of 4 stars). 2 submissions from 2 submitters: Benign (1); Likely benign (1). Last evaluated 2018-09-22.

Conditions:
Hypophosphatasia. Also called: Phosphoethanol-aminuria. Identifiers: Orphanet 436, MedGen C0020630, MeSH D007014, MONDO:0018570.

Allele frequency attached by ClinVar (database versions not stated): gnomAD exomes 0.00093; gnomAD 0.00769 and 0.00808; TOPMed 0.00827; 1000 Genomes Project 0.01118; 1000 Genomes Project 30x 0.01171.
gnomAD v4.1: 1,685 of 683,738 alleles (0.25%); highest among the groups gnomAD compares: African/African-American, 2.6%; 17 homozygotes.

Submissions (2):

GeneDx
Classification: Likely benign. Last evaluated: 2018-09-22. Review status: criteria provided, single submitter. Criteria: GeneDx Variant Classification Process June 2021. Collection method: clinical testing. Allele origin: germline. Affected: yes.

Illumina Laboratory Services, Illumina
Classification: Benign for Hypophosphatasia. Last evaluated: 2018-01-13. Review status: criteria provided, single submitter. Criteria: ICSL Variant Classification Criteria 13 December 2019. Collection method: clinical testing. Allele origin: germline.
Comment: This variant was observed in the ICSL laboratory as part of a predisposition screen in an ostensibly healthy population. It had not been previously curated by ICSL or reported in the Human Gene Mutation Database (HGMD: prior to June 1st, 2018), and was therefore a candidate for classification through an automated scoring system. Utilizing variant allele frequency, disease prevalence and penetrance estimates, and inheritance mode, an automated score was calculated to assess if this variant is too frequent to cause the disease. Based on the score and internal cut-off values, a variant classified as benign is not then subjected to further curation. The score for this variant resulted in a classification of benign for this disease.

NM_000478.6(ALPL):c.*204T>C

Gene: ALPL (alkaline phosphatase, biomineralization associated; plus strand). Cytogenetic location: 1p36.12.
Variant type: single nucleotide variant.
Coding change: c.*204T>C on transcript NM_000478.6 (MANE Select); 204 bases downstream of the stop codon, T replaced by C.
Molecular consequence: 3 prime UTR variant.
Genome position (GRCh38, 1-based): chr1:21,577,852, T>C. VCF-style: chr1-21577852-T-C. GRCh37 (hg19) VCF-style: chr1-21904345-T-C.
Other names: c.*204T>C (NM_001127501.4, NM_001177520.3, NM_001369803.2 and 2 more transcripts).
Identifiers: ClinVar variation 295562 (VCV000295562.8), dbSNP rs116162120, ClinGen allele CA10609826.